The following is an entry in ClinVar:

NM_002894.3(RBBP8):c.2148A>T (p.Glu716Asp)

Gene: RBBP8 (RB binding protein 8, endonuclease; plus strand). Cytogenetic location: 18q11.2.
Variant type: single nucleotide variant.
Coding change: c.2148A>T on transcript NM_002894.3 (MANE Select); coding-DNA position 2148, A replaced by T.
Protein change: p.Glu716Asp; replaces glutamic acid 716 with aspartic acid.
Molecular consequence: missense variant.
Genome position (GRCh38, 1-based): chr18:23,001,590, A>T. VCF-style: chr18-23001590-A-T. GRCh37 (hg19) VCF-style: chr18-20581553-A-T.
Other names: c.2148A>T, p.Glu716Asp (NM_203291.2, NM_203292.2); short protein forms E716D.
Identifiers: ClinVar variation 1369461 (VCV001369461.6), dbSNP rs763272012, ClinGen allele CA8910269.
Genomic context (GRCh38, chr18:23,001,590, plus strand): 5'-TCTACATATTAAGCAAAAGCTTGCTTATTGCCCTAAGCCAGTGCTCTTTTACATAGATGA[A>T]GAAAGAAAAATGAATGATAGCTTGGAAGATATGTTTGATCGGACAACACATGAAGAGTAT-3'
Protein context (NP_002885.1, residues 706-726): QEQKGEKSSN[Glu716Asp]ERKMNDSLED

ClinVar aggregate classification (germline): Uncertain significance (1 of 4 stars; one submission).

Allele frequency attached by ClinVar (database versions not stated): gnomAD exomes below 0.00001 and 0.00001; ExAC 0.00002; TOPMed 0.00004; gnomAD 0.00005.
gnomAD v4.1: 15 of 1,614,018 alleles (0.00093%); highest among the groups gnomAD compares: African/African-American, 0.019%; no homozygotes.

Submission:

Labcorp Genetics (formerly Invitae), Labcorp
Classification: Uncertain significance. Last evaluated: 2021-11-25. Review status: criteria provided, single submitter. Criteria: Invitae Variant Classification Sherloc (09022015). Collection method: clinical testing. Allele origin: germline.
Comment: This sequence change replaces glutamic acid, which is acidic and polar, with aspartic acid, which is acidic and polar, at codon 716 of the RBBP8 protein (p.Glu716Asp). This variant is present in population databases (rs763272012, gnomAD 0.02%). This variant has not been reported in the literature in individuals affected with RBBP8-related conditions. Algorithms developed to predict the effect of missense changes on protein structure and function (SIFT, PolyPhen-2, Align-GVGD) all suggest that this variant is likely to be tolerated. In summary, the available evidence is currently insufficient to determine the role of this variant in disease. Therefore, it has been classified as a Variant of Uncertain Significance.